The following is an entry in ClinVar:

NM_024596.5(MCPH1):c.2404G>T (p.Gly802Ter)

Genes: MCPH1-AS1 (MCPH1 antisense RNA 1; minus strand), MCPH1 (microcephalin 1; plus strand). Cytogenetic location: 8p23.1.
Variant type: single nucleotide variant.
Coding change: c.2404G>T on transcript NM_024596.5 (MANE Select); coding-DNA position 2404, G replaced by T.
Protein change: p.Gly802Ter; replaces glycine 802 with a stop codon.
Molecular consequence: nonsense.
Genome position (GRCh38, 1-based): chr8:6,621,643, G>T. VCF-style: chr8-6621643-G-T. GRCh37 (hg19) VCF-style: chr8-6479164-G-T.
Other names: c.2404G>T, p.Gly802Ter (NM_001322042.2, NM_001363979.1, NM_001410917.1); c.2125G>T, p.Gly709Ter (NM_001363980.2); short protein forms G709*, G802*.
Identifiers: ClinVar variation 2581189 (VCV002581189.1), dbSNP rs370842740, ClinGen allele CA370216543.

ClinVar aggregate classification (germline): Pathogenic (1 of 4 stars; one submission).

Conditions:
Autosomal recessive primary microcephaly. Identifiers: Orphanet 2512, MedGen C3711387, MONDO:0016660.

gnomAD v4.1: 1 of 1,614,094 alleles (0.000062%); highest among the groups gnomAD compares: Non-Finnish European, 0.000085%; no homozygotes.

Submission:

Women's Health and Genetics/Laboratory Corporation of America, LabCorp
Classification: Pathogenic for Autosomal recessive primary microcephaly. Last evaluated: 2023-08-17. Review status: criteria provided, single submitter. Criteria: LabCorp Variant Classification Summary - May 2015. Collection method: clinical testing. Allele origin: germline.
Comment: Variant summary: MCPH1 c.2404G>T (p.Gly802X) results in a premature termination codon, predicted to cause a truncation of the encoded protein or absence of the protein due to nonsense mediated decay, which are commonly known mechanisms for disease. The variant was absent in 249486 control chromosomes (gnomAD v2.1 Exomes dataset). To our knowledge, no occurrence of c.2404G>T in individuals affected with Primary microcephaly and no experimental evidence demonstrating its impact on protein function have been reported. No submitters have reported clinical-significance assessments for this variant to ClinVar after 2014. Based on the evidence outlined above, the variant was classified as pathogenic.